The following is an entry in ClinVar:

NM_000041.4(APOE):c.761T>A (p.Val254Glu)

Gene: APOE (apolipoprotein E; plus strand). Cytogenetic location: 19q13.32.
Variant type: single nucleotide variant.
Coding change: c.761T>A on transcript NM_000041.4 (MANE Select); coding-DNA position 761, T replaced by A.
Protein change: p.Val254Glu; replaces valine 254 with glutamic acid.
Molecular consequence: missense variant.
Genome position (GRCh38, 1-based): chr19:44,909,057, T>A. VCF-style: chr19-44909057-T-A. GRCh37 (hg19) VCF-style: chr19-45412314-T-A.
Other names: V236E; c.839T>A, p.Val280Glu (NM_001302688.2); c.761T>A, p.Val254Glu (NM_001302689.2, NM_001302690.2, NM_001302691.2); short protein forms V254E, V280E.
Identifiers: ClinVar variation 478872 (VCV000478872.9), dbSNP rs199768005, ClinGen allele CA041472.

ClinVar aggregate classification (germline): Conflicting classifications of pathogenicity. Review status: criteria provided, conflicting classifications (1 of 4 stars). 7 submissions from 7 submitters: Uncertain significance (3); Likely benign (1). 3 of the submissions do not count toward it. Last evaluated 2026-06-12.

Conditions:
Familial hypercholesterolemia. Also called: Familial hypercholesterolemias; Familial hypercholesterolaemia. Identifiers: MedGen C0020445, MONDO:0005439.
APOE-related disorder. Also called: APOE-related condition.
Cardiovascular phenotype. Identifiers: MedGen CN230736.
Familial type 3 hyperlipoproteinemia. Also called: Hyperlipoproteinemia type 3; Hyperlipoproteinemia type III; Dysbetalipoproteinemia; Familial dysbetalipoproteinemia; Broad beta disease; Remnant removal disease. Identifiers: Orphanet 412, MedGen C0020479, MONDO:0018473, OMIM 617347.

Allele frequency attached by ClinVar (database versions not stated): TOPMed 0.00043; gnomAD exomes 0.00045; gnomAD 0.00050 and 0.00048; ESP Exome Variant Server 0.00079; ExAC 0.00135; 1000 Genomes Project 30x 0.00031.

Submissions (7):

Cambridge Genomics Laboratory, East Genomic Laboratory Hub, NHS Genomic Medicine Service
Classification: Likely benign for Familial hypercholesterolaemia. Last evaluated: 2026-06-12. Review status: criteria provided, single submitter. Criteria: ACGS Best Practice Guidelines for Variant Classification in Rare Disease 2020. Collection method: clinical testing. Allele origin: germline. Affected: yes.
Comment: BS1_Strong,BP4

PreventionGenetics, part of Exact Sciences
Classification: Uncertain significance for APOE-related condition. Last evaluated: 2025-09-25. Review status: criteria provided, single submitter. Criteria: ACMG Guidelines, 2015. Collection method: clinical testing. Allele origin: germline.
Comment: The APOE c.761T>A variant is predicted to result in the amino acid substitution p.Val254Glu. This variant is alternatively referred to as p.Val236Glu (V236E) using legacy nomenclature and is also referred to as APOE3-Jacksonville (APOE3-Jac) in the literature. It is shown to be in complete linkage disequilibrium with the APOE e3 allele and has been referred to as APOE e3b (Medway et al. 2014. PubMed ID: 24607147). This variant has been associated with significantly reduced risk of Alzheimer's disease (Medway et al. 2014. PubMed ID: 24607147; Liu et al. 2021. PubMed ID: 34586832; Le Guen et al. 2022. PubMed ID: 35639372). It has also been reported in an individual with hyperlipoproteinemia and in the compound heterozygous state in a family member in a second kindred; however, it was not shown to segregate with hyperlipoproteinemia in either family (APOE*2(Val236->Glu), van den Maagdenberg et al. 1993. PubMed ID: 8488843). Functional studies, including HEK293 cells and mouse models, demonstrate healthy brain aging, reduced aggregation and amyloid pathology as well as enhanced lipid binding (Liu et al. 2021. PubMed ID: 34586832). This variant is reported in 0.091% of alleles in individuals of European (non-Finnish) descent in gnomAD, including one homozygote. It has conflicting classifications listed in ClinVar ranging from benign to pathogenic (ClinVar ID: 478872). At this time, the clinical significance of this variant is uncertain due to the absence of conclusive functional and genetic evidence.

Ambry Genetics
Classification: Uncertain significance for Cardiovascular phenotype. Last evaluated: 2025-09-16. Review status: criteria provided, single submitter. Criteria: Ambry Variant Classification Scheme 2023. Collection method: clinical testing. Allele origin: germline.
Comment: The p.V254E variant (also known as c.761T>A), located in coding exon 3 of the APOE gene, results from a T to A substitution at nucleotide position 761. The valine at codon 254 is replaced by glutamic acid, an amino acid with dissimilar properties. This amino acid position is poorly conserved in available vertebrate species. In addition, this alteration is predicted to be tolerated by in silico analysis. Based on the available evidence, the clinical significance of this variant remains unclear.

GeneDx
Classification: Uncertain significance. Last evaluated: 2022-12-14. Review status: criteria provided, single submitter. Criteria: GeneDx Variant Classification Process June 2021. Collection method: clinical testing. Allele origin: germline. Affected: yes.
Comment: In silico analysis supports that this missense variant has a deleterious effect on protein structure/function; Also known as APOE3-Jacksonville, APOE3-Jac, and p.(V236E); Has not been previously published in association with dyslipidemia to our knowledge; This variant is associated with the following publications: (PMID: 25560647, 32808727, 34058468, 24607147, 34586832)

OMIM
Classification: Pathogenic for HYPERLIPOPROTEINEMIA, TYPE III, ASSOCIATED WITH APOE2. Last evaluated: 1993-05-01. Review status: no assertion criteria provided. Collection method: literature only. Allele origin: germline. Not counted in ClinVar's aggregate classification.

Clinical Genetics, Academic Medical Center
Classification: Benign. Review status: no assertion criteria provided. Collection method: clinical testing. Allele origin: germline. Affected: yes. Study: VKGL Data-share Consensus. Not counted in ClinVar's aggregate classification.

Genome Diagnostics Laboratory, Amsterdam University Medical Center
Classification: Likely benign. Review status: no assertion criteria provided. Collection method: clinical testing. Allele origin: germline. Affected: yes. Study: VKGL Data-share Consensus. Not counted in ClinVar's aggregate classification.

Literature cited by the submitters: PubMed 8488843 (cited by OMIM).